The following is an entry in ClinVar:

ClinVar aggregate classification (germline): Uncertain significance (1 of 4 stars; one submission).

Allele frequency attached by ClinVar (database versions not stated): gnomAD exomes below 0.00001; ExAC 0.00001.
gnomAD v4.1: 6 of 1,613,934 alleles (0.00037%); highest among the groups gnomAD compares: South Asian, 0.0055%; 1 homozygote.

Submission:

Labcorp Genetics (formerly Invitae), Labcorp
Classification: Uncertain significance. Last evaluated: 2022-06-19. Review status: criteria provided, single submitter. Criteria: Invitae Variant Classification Sherloc (09022015). Collection method: clinical testing. Allele origin: germline.
Comment: This variant has not been reported in the literature in individuals affected with TYMP-related conditions. This sequence change replaces leucine, which is neutral and non-polar, with proline, which is neutral and non-polar, at codon 191 of the TYMP protein (p.Leu191Pro). This variant is present in population databases (rs779087780, gnomAD 0.01%). Advanced modeling of protein sequence and biophysical properties (such as structural, functional, and spatial information, amino acid conservation, physicochemical variation, residue mobility, and thermodynamic stability) performed at Invitae indicates that this missense variant is expected to disrupt TYMP protein function. In summary, the available evidence is currently insufficient to determine the role of this variant in disease. Therefore, it has been classified as a Variant of Uncertain Significance.

NM_001953.5(TYMP):c.572T>C (p.Leu191Pro)

Gene: TYMP (thymidine phosphorylase; minus strand). Cytogenetic location: 22q13.33.
Variant type: single nucleotide variant.
Coding change: c.572T>C on transcript NM_001953.5 (MANE Select); coding-DNA position 572, T replaced by C.
Protein change: p.Leu191Pro; replaces leucine 191 with proline.
Molecular consequence: missense variant.
Genome position (GRCh38, 1-based): chr22:50,527,662, A>G on the plus strand (T>C on the coding strand, the complement: TYMP is on the minus strand). VCF-style: chr22-50527662-A-G. GRCh37 (hg19) VCF-style: chr22-50966091-A-G.
Other names: c.572T>C, p.Leu191Pro (NM_001113755.3, NM_001113756.3, NM_001257988.1 and 1 more transcripts); short protein forms L191P.
Identifiers: ClinVar variation 1999016 (VCV001999016.4), dbSNP rs779087780, ClinGen allele CA10321696.
Genomic context (GRCh38, chr22:50,527,662, plus strand): 5'-AGGCTGTCCACGGTGGCTGTCACATCTCTGGCTGCATATAGGATTCCGTCCGCAGGAACC[A>G]GCTGCTCACTCTGACCCACGATACAGCAGCCCGCCTGGTCCAGCAGCACTTGCATCTGGT-3'
Protein context (NP_001944.1, residues 181-201): GCCIVGQSEQ[Leu191Pro]VPADGILYAA